The following is an entry in ClinVar:

NM_000540.3(RYR1):c.2869A>T (p.Thr957Ser)

Gene: RYR1 (ryanodine receptor 1; plus strand). Cytogenetic location: 19q13.2.
Variant type: single nucleotide variant.
Coding change: c.2869A>T on transcript NM_000540.3 (MANE Select); coding-DNA position 2869, A replaced by T.
Protein change: p.Thr957Ser; replaces threonine 957 with serine.
Molecular consequence: missense variant.
Genome position (GRCh38, 1-based): chr19:38,464,721, A>T. VCF-style: chr19-38464721-A-T. GRCh37 (hg19) VCF-style: chr19-38955361-A-T.
Other names: c.2869A>T, p.Thr957Ser (NM_001042723.2); short protein forms T957S.
Identifiers: ClinVar variation 2724332 (VCV002724332.1), dbSNP rs1176044972, ClinGen allele CA405633852.

ClinVar aggregate classification (germline): Uncertain significance (1 of 4 stars; one submission).

Conditions:
RYR1-related disorder. Also called: RYR1-related condition; RYR1-related disorders. Identifiers: MedGen CN239331.

Allele frequency attached by ClinVar (database versions not stated): TOPMed below 0.00001.
gnomAD v4.1: 2 of 1,579,120 alleles (0.00013%); highest among the groups gnomAD compares: Non-Finnish European, 0.00017%; no homozygotes.

Submission:

Labcorp Genetics (formerly Invitae), Labcorp
Classification: Uncertain significance for RYR1-related disorder. Last evaluated: 2023-12-09. Review status: criteria provided, single submitter. Criteria: Invitae Variant Classification Sherloc (09022015). Collection method: clinical testing. Allele origin: germline.
Comment: This sequence change replaces threonine, which is neutral and polar, with serine, which is neutral and polar, at codon 957 of the RYR1 protein (p.Thr957Ser). The frequency data for this variant in the population databases is considered unreliable, as metrics indicate poor data quality at this position in the gnomAD database. This variant has not been reported in the literature in individuals affected with RYR1-related conditions. An algorithm developed to predict the effect of missense changes on protein structure and function (PolyPhen-2) suggests that this variant¬†is likely to be tolerated. In summary, the available evidence is currently insufficient to determine the role of this variant in disease. Therefore, it has been classified as a Variant of Uncertain Significance.